The following is an entry in ClinVar:

ClinVar aggregate classification (germline): Pathogenic (1 of 4 stars; one submission).

Conditions:
Capillary malformation-arteriovenous malformation 2 (CMAVM2). Identifiers: Orphanet 693912, MedGen C4748670, MONDO:0020785, OMIM 618196.

Allele frequency attached by ClinVar (database versions not stated): gnomAD exomes below 0.00001.
gnomAD v4.1: 1 of 1,613,032 alleles (0.000062%); highest among the groups gnomAD compares: Non-Finnish European, 0.000085%; no homozygotes.

Submission:

SIB Swiss Institute of Bioinformatics
Classification: Pathogenic for Capillary malformation-arteriovenous malformation 2. Last evaluated: 2019-03-29. Review status: criteria provided, single submitter. Criteria: ACMG Guidelines, 2015. Collection method: curation. Allele origin: unknown.
Comment: This variant is interpreted as a Pathogenic for Capillary malformation-arteriovenous malformation 2. The following ACMG Tag(s) were applied: PM2: Absent from controls (or at extremely low frequency if recessive) in Exome Sequencing Project, 1000 Genomes Project, or Exome Aggregation Consortium. PVS1: Predicted nullvariant in a gene where LOF is a known mechanism of disease. PM6: Assumed de novo, but without confirmation of paternity and maternity.

Literature cited by the submitters: PubMed 28687708.

NM_004444.5(EPHB4):c.389G>A (p.Trp130Ter)

Gene: EPHB4 (EPH receptor B4; minus strand). Cytogenetic location: 7q22.1.
Variant type: single nucleotide variant.
Coding change: c.389G>A on transcript NM_004444.5 (MANE Select); coding-DNA position 389, G replaced by A.
Protein change: p.Trp130Ter; replaces tryptophan 130 with a stop codon.
Molecular consequence: nonsense.
Genome position (GRCh38, 1-based): chr7:100,823,666, C>T on the plus strand (G>A on the coding strand, the complement: EPHB4 is on the minus strand). VCF-style: chr7-100823666-C-T. GRCh37 (hg19) VCF-style: chr7-100421288-C-T.
Other names: short protein forms W130*.
Identifiers: ClinVar variation 691531 (VCV000691531.1), dbSNP rs1584666961, ClinGen allele CA368582368.
Genomic context (GRCh38, chr7:100,823,666, plus strand): 5'-ACCTTGGCTGTGGCTGAGCCCTGGGGGCACCCAGGTACCTTGATGTAGGGGTTCTCCATC[C>T]AGGCTGGCGTGAGGGCCGTGGCCGTGTCCGCATCGCTCTCATAGTAGAAGACGGTGAAGG-3'